The following is an entry in ClinVar:

ClinVar aggregate classification (germline): Uncertain significance (1 of 4 stars; one submission).

Submission:

GeneDx
Classification: Uncertain significance. Last evaluated: 2022-09-02. Review status: criteria provided, single submitter. Criteria: GeneDx Variant Classification Process June 2021. Collection method: clinical testing. Allele origin: germline. Affected: yes.
Comment: Not observed at significant frequency in large population cohorts (gnomAD); In silico analysis supports that this missense variant has a deleterious effect on protein structure/function; Has not been previously published as pathogenic or benign to our knowledge

NM_018896.5(CACNA1G):c.3229C>A (p.Pro1077Thr)

Gene: CACNA1G (calcium voltage-gated channel subunit alpha1 G; plus strand). Cytogenetic location: 17q21.33.
Variant type: single nucleotide variant.
Coding change: c.3229C>A on transcript NM_018896.5 (MANE Select); coding-DNA position 3229, C replaced by A.
Protein change: p.Pro1077Thr; replaces proline 1077 with threonine.
Molecular consequence: missense variant. On other transcripts: non-coding transcript variant (5).
Genome position (GRCh38, 1-based): chr17:50,596,894, C>A. VCF-style: chr17-50596894-C-A. GRCh37 (hg19) VCF-style: chr17-48674255-C-A.
Other names: c.3229C>A, p.Pro1077Thr (NM_001256324.2, NM_001256325.2, NM_001256326.2 and 16 more transcripts); c.3160C>A, p.Pro1054Thr (NM_001256332.2, NM_198376.3, NM_198379.3 and 5 more transcripts); short protein forms P1054T, P1077T.
Identifiers: ClinVar variation 2442699 (VCV002442699.1), dbSNP rs1458889280, ClinGen allele CA400252492.
Genomic context (GRCh38, chr17:50,596,894, plus strand): 5'-GGCCTGGGCGAGGCGCTGGGCCCTGCGTCGCGCCGCACCAGCAGCAGCGGGTCGGCAGAG[C>A]CTGGGGCGGCCCACGAGATGAAGTCACCGGTAGGGGGTGCATGTGGGTACCCTGATGGTG-3'
Protein context (NP_061496.2, residues 1067-1087): RRTSSSGSAE[Pro1077Thr]GAAHEMKSPP